The following is an entry in ClinVar:

NM_001206927.2(DNAH8):c.5515G>A (p.Ala1839Thr)

Gene: DNAH8 (dynein axonemal heavy chain 8; plus strand). Cytogenetic location: 6p21.2.
Variant type: single nucleotide variant.
Coding change: c.5515G>A on transcript NM_001206927.2 (MANE Select); coding-DNA position 5515, G replaced by A.
Protein change: p.Ala1839Thr; replaces alanine 1839 with threonine.
Molecular consequence: missense variant.
Genome position (GRCh38, 1-based): chr6:38,852,742, G>A. VCF-style: chr6-38852742-G-A. GRCh37 (hg19) VCF-style: chr6-38820518-G-A.
Other names: c.4864G>A, p.Ala1622Thr (NM_001371.4); short protein forms A1839T, A1622T.
Identifiers: ClinVar variation 454580 (VCV000454580.6), dbSNP rs756190655, ClinGen allele CA3789400.
Genomic context (GRCh38, chr6:38,852,742, plus strand): 5'-TCTGTCTTACAGCCGCATCTCCCTGCAGTATCTGACAACATCAATGAGGTGACATTTCAT[G>A]CAAAAGACTATGATCGCATCATGGCCGTCATATCAAGAGAAGGAGAAAAAATTGTTGTAA-3'
Protein context (NP_001193856.1, residues 1829-1849): SDNINEVTFH[Ala1839Thr]KDYDRIMAVI

ClinVar aggregate classification (germline): Uncertain significance (1 of 4 stars; one submission).

Conditions:
Primary ciliary dyskinesia. Also called: Ciliary dyskinesia. Identifiers: Orphanet 244, MedGen C0008780, MONDO:0016575, HP:0012265.

Allele frequency attached by ClinVar (database versions not stated): gnomAD below 0.00001 and 0.00002; ExAC 0.00001; gnomAD exomes 0.00001.
gnomAD v4.1: 14 of 1,613,700 alleles (0.00087%); highest among the groups gnomAD compares: South Asian, 0.013%; no homozygotes.

Submission:

Labcorp Genetics (formerly Invitae), Labcorp
Classification: Uncertain significance for Primary ciliary dyskinesia. Last evaluated: 2021-08-13. Review status: criteria provided, single submitter. Criteria: Invitae Variant Classification Sherloc (09022015). Collection method: clinical testing. Allele origin: germline.
Comment: This sequence change replaces alanine with threonine at codon 1839 of the DNAH8 protein (p.Ala1839Thr). The alanine residue is weakly conserved and there is a small physicochemical difference between alanine and threonine. This variant is present in population databases (rs756190655, ExAC 0.006%). This missense change has been observed in individual(s) with clinical features of DNAH8-related conditions (Invitae). Algorithms developed to predict the effect of missense changes on protein structure and function (SIFT, PolyPhen-2, Align-GVGD) all suggest that this variant is likely to be tolerated. In summary, the available evidence is currently insufficient to determine the role of this variant in disease. Therefore, it has been classified as a Variant of Uncertain Significance.